The following is an entry in ClinVar:

NM_003640.5(ELP1):c.3928C>G (p.Leu1310Val)

Gene: ELP1 (elongator acetyltransferase complex subunit 1; minus strand). Cytogenetic location: 9q31.3.
Variant type: single nucleotide variant.
Coding change: c.3928C>G on transcript NM_003640.5 (MANE Select); coding-DNA position 3928, C replaced by G.
Protein change: p.Leu1310Val; replaces leucine 1310 with valine.
Molecular consequence: missense variant.
Genome position (GRCh38, 1-based): chr9:108,874,898, G>C on the plus strand (C>G on the coding strand, the complement: ELP1 is on the minus strand). VCF-style: chr9-108874898-G-C. GRCh37 (hg19) VCF-style: chr9-111637178-G-C.
Other names: c.3586C>G, p.Leu1196Val (NM_001318360.2); c.2881C>G, p.Leu961Val (NM_001330749.2); short protein forms L1310V, L1196V, L961V.
Identifiers: ClinVar variation 2185732 (VCV002185732.4), dbSNP rs1234369777, ClinGen allele CA374410354.

ClinVar aggregate classification (germline): Uncertain significance (1 of 4 stars; one submission).

Allele frequency attached by ClinVar (database versions not stated): gnomAD 0.00001.
gnomAD v4.1: 6 of 1,601,952 alleles (0.00037%); highest among the groups gnomAD compares: Non-Finnish European, 0.00051%; no homozygotes.

Submission:

Labcorp Genetics (formerly Invitae), Labcorp
Classification: Uncertain significance. Last evaluated: 2024-11-20. Review status: criteria provided, single submitter. Criteria: Invitae Variant Classification Sherloc (09022015). Collection method: clinical testing. Allele origin: germline.
Comment: This sequence change replaces leucine, which is neutral and non-polar, with valine, which is neutral and non-polar, at codon 1310 of the ELP1 protein (p.Leu1310Val). This variant is not present in population databases (gnomAD no frequency). This variant has not been reported in the literature in individuals affected with ELP1-related conditions. ClinVar contains an entry for this variant (Variation ID: 2185732). An algorithm developed to predict the effect of missense changes on protein structure and function (PolyPhen-2) suggests that this variant is likely to be tolerated. In summary, the available evidence is currently insufficient to determine the role of this variant in disease. Therefore, it has been classified as a Variant of Uncertain Significance.